The following is an entry in ClinVar:

NC_000009.12:g.35658022_35658023insTCTCAGCTTCAC

Gene: RMRP (RNA component of mitochondrial RNA processing endoribonuclease; minus strand). Cytogenetic location: 9p13.3.
Variant type: Insertion.
Genome position: GRCh38 VCF-style: chr9-35658022-T-TTCTCAGCTTCAC. GRCh37 (hg19) VCF-style: chr9-35658019-T-TTCTCAGCTTCAC.
Identifiers: ClinVar variation 1364230 (VCV001364230.4), dbSNP rs1554651430, ClinGen allele CA2573144652.

ClinVar aggregate classification (germline): Pathogenic (1 of 4 stars; one submission).

Conditions:
Anauxetic dysplasia. Identifiers: Orphanet 93347, MedGen C1846796, MONDO:0011773.

Submission:

Labcorp Genetics (formerly Invitae), Labcorp
Classification: Pathogenic for Anauxetic dysplasia. Last evaluated: 2021-08-06. Review status: criteria provided, single submitter. Criteria: Invitae Variant Classification Sherloc (09022015). Collection method: clinical testing. Allele origin: germline.
Comment: While functional studies for this variant have not been reported, experimental analyses using patient derived cells, as well as in vitro transfection studies, have shown that promoter insertions result in silencing of RMRP transcription and reduced expression of the gene product (PMID: 11207361, 16254002). While this particular variant has not been reported in the literature, it is located in the promoter region between the TATA box and the transcription initiation site, and other insertions and duplications immediately upstream of the coding sequence have been reported in individuals affected with cartilage-hair hypoplasia-anauxetic dysplasia (CHH-AD) spectrum disorders (PMID: 16244706, 11207361, 12107819). For these reasons, this variant has been classified as Pathogenic. The frequency data for this variant in the population databases is considered unreliable, as metrics indicate insufficient coverage at this position in the ExAC database. This variant occurs in the RMRP gene, which encodes an RNA molecule that does not result in a protein product.

Literature cited by the submitters: PubMed 11207361; PubMed 16254002; PubMed 16244706; PubMed 12107819.